The following is an entry in ClinVar:

ClinVar aggregate classification (germline): Likely pathogenic (1 of 4 stars; one submission).

Submission:

Mayo Clinic Laboratories, Mayo Clinic
Classification: Likely pathogenic. Last evaluated: 2024-07-09. Review status: criteria provided, single submitter. Criteria: ACMG Guidelines, 2015. Collection method: clinical testing. Allele origin: germline. Observed: 1 variant allele.
Comment: PM2, PVS1

Literature cited by the submitters: PubMed 31254973.

NM_000312.4(PROC):c.378G>A (p.Trp126Ter)

Gene: PROC (protein C, inactivator of coagulation factors Va and VIIIa; plus strand). Cytogenetic location: 2q14.3.
Variant type: single nucleotide variant.
Coding change: c.378G>A on transcript NM_000312.4 (MANE Select); coding-DNA position 378, G replaced by A.
Protein change: p.Trp126Ter; replaces tryptophan 126 with a stop codon.
Molecular consequence: nonsense. On other transcripts: missense variant (1).
Genome position (GRCh38, 1-based): chr2:127,423,149, G>A. VCF-style: chr2-127423149-G-A. GRCh37 (hg19) VCF-style: chr2-128180725-G-A.
Other names: p.Trp126*; c.561G>A, p.Trp187Ter (NM_001375602.1); c.441G>A, p.Trp147Ter (NM_001375603.1, NM_001375604.1); c.378G>A, p.Trp126Ter (NM_001375605.1, NM_001375608.1, NM_001375611.1 and 1 more transcripts); c.533G>A, p.Gly178Glu (NM_001375606.1); c.462G>A, p.Trp154Ter (NM_001375607.1); c.354G>A, p.Trp118Ter (NM_001375609.1); c.372G>A, p.Trp124Ter (NM_001375610.1); short protein forms G178E, W118*, W124*, W126*, W147*, W154*, W187*.
Identifiers: ClinVar variation 3380948 (VCV003380948.1).
Genomic context (GRCh38, chr2:127,423,149, plus strand): 5'-CGGGCACGGCACGTGCATCGACGGCATCGGCAGCTTCAGCTGCGACTGCCGCAGCGGCTG[G>A]GAGGGCCGCTTCTGCCAGCGCGGTGAGGGGGAGAGGTGGATGCTGGCGGGCGGCGGGGCG-3'